The following is an entry in ClinVar:

ClinVar aggregate classification (germline): Pathogenic. Review status: criteria provided, multiple submitters, no conflicts (2 of 4 stars). 2 submissions from 2 submitters: Pathogenic (2). Last evaluated 2025-08-07.

Conditions:
Neurofibromatosis, type 1 (NF1). Also called: Neurofibromatosis, type I; Peripheral type neurofibromatosis; VON RECKLINGHAUSEN DISEASE; NEUROFIBROMATOSIS, TYPE I, SOMATIC. Identifiers: Orphanet 636, MedGen C0027831, MONDO:0018975, OMIM 162200. Disease mechanism: loss of function.
Cardiovascular phenotype. Identifiers: MedGen CN230736.
Hereditary cancer-predisposing syndrome. Also called: Hereditary neoplastic syndrome; Hereditary Cancer Syndrome; Neoplastic Syndromes, Hereditary; Tumor predisposition. Identifiers: Orphanet 140162, MedGen C0027672, MeSH D009386, MONDO:0015356.

Submissions (2):

Labcorp Genetics (formerly Invitae), Labcorp
Classification: Pathogenic for Neurofibromatosis, type 1. Last evaluated: 2025-08-07. Review status: criteria provided, single submitter. Criteria: Invitae Variant Classification Sherloc (09022015). Collection method: clinical testing. Allele origin: germline.
Comment: This sequence change creates a premature translational stop signal (p.Asn1864Lysfs*26) in the NF1 gene. It is expected to result in an absent or disrupted protein product. Loss-of-function variants in NF1 are known to be pathogenic (PMID: 10712197, 23913538). This variant is not present in population databases (gnomAD no frequency). This premature translational stop signal has been observed in individual(s) with neurofibromatosis type 1 (PMID: 31370276). ClinVar contains an entry for this variant (Variation ID: 2736562). For these reasons, this variant has been classified as Pathogenic.

Ambry Genetics
Classification: Pathogenic for Cardiovascular phenotype; Hereditary cancer-predisposing syndrome. Last evaluated: 2025-07-30. Review status: criteria provided, single submitter. Criteria: Ambry Variant Classification Scheme 2023. Collection method: clinical testing. Allele origin: germline.
Comment: The c.5592_5596delTTTAA pathogenic mutation, located in coding exon 38 of the NF1 gene, results from a deletion of 5 nucleotides at nucleotide positions 5592 to 5596, causing a translational frameshift with a predicted alternate stop codon (p.N1864Kfs*26). This variant was reported in individual(s) with features consistent with neurofibromatosis type 1 (NF1) (Santoro C et al. Cancers (Basel), 2020 May;12:; Mohapatra I et al. Cureus, 2023 Jul;15:e42098). This variant is considered to be rare based on population cohorts in the Genome Aggregation Database (gnomAD). This alteration is expected to result in loss of function by premature protein truncation or nonsense-mediated mRNA decay. As such, this alteration is interpreted as a disease-causing mutation.

Literature cited by the submitters: PubMed 10712197 (cited by Labcorp Genetics (formerly Invitae), Labcorp); PubMed 23913538 (cited by Labcorp Genetics (formerly Invitae), Labcorp); PubMed 31370276 (cited by Labcorp Genetics (formerly Invitae), Labcorp); PubMed 32486389 (cited by Ambry Genetics); PubMed 37602003 (cited by Ambry Genetics).

NM_001042492.3(NF1):c.5655_5659del (p.Asn1885fs)

Gene: NF1 (neurofibromin 1; plus strand). Cytogenetic location: 17q11.2.
Variant type: Microsatellite.
Coding change: c.5655_5659del on transcript NM_001042492.3 (MANE Select); coding-DNA positions 5655 to 5659, 5 bases deleted (TTTAA; older notation c.5655_5659delTTTAA).
Protein change: p.Asn1885fs; shifts the reading frame from asparagine 1885.
Molecular consequence: frameshift variant.
Genome position (GRCh38, 1-based): chr17:31,330,341-31,330,345, TTTAA deleted; deleting any 5 consecutive bases within chr17:31,330,336-31,330,345 gives the same sequence; the c. name uses the placement nearest the transcript's 3' end. VCF-style (leftmost placement, unchanged base first): chr17-31330335-CTTTAA-C. GRCh37 (hg19) VCF-style: chr17-29657353-CTTTAA-C.
Other names: c.5587_5591TTTAA[1], p.Asn1864Lysfs (NM_000267.4); c.5592_5596delTTTAA (NM_000267.3); short protein forms N1864fs, N1885fs.
Identifiers: ClinVar variation 2736562 (VCV002736562.4), dbSNP rs2508718056, ClinGen allele CA2695225044.